The following is an entry in ClinVar:

ClinVar aggregate classification (germline): Pathogenic (1 of 4 stars; one submission).

Conditions:
Nemaline myopathy 2 (NEM2). Also called: Nemaline myopathy 2, autosomal recessive. Identifiers: MedGen C1850569, MONDO:0009725, OMIM 256030.

Submission:

Labcorp Genetics (formerly Invitae), Labcorp
Classification: Pathogenic for Nemaline myopathy 2. Last evaluated: 2024-01-18. Review status: criteria provided, single submitter. Criteria: Invitae Variant Classification Sherloc (09022015). Collection method: clinical testing. Allele origin: germline.
Comment: This sequence change creates a premature translational stop signal (p.Met4377Ilefs*3) in the NEB gene. This variant occurs in a region of NEB (Exons 82-105) consisting of three highly homologous 8-exon repeat units (exons 82-89, exons 90-97, exons 98-105). Sequence variants in this region can be detected, but this assay cannot determine which of the three repeat units is affected, and zygosity is often ambiguous. All variants in this region are reported relative to the exon 82-89 repeat. The frequency data for this variant in the population databases (gnomAD) is considered unreliable due to the presence of homologous sequence, such as pseudogenes or paralogs, in the genome. This variant has not been reported in the literature in individuals affected with NEB-related conditions. For these reasons, this variant has been classified as Pathogenic.

NM_001164508.2(NEB):c.13131del (p.Met4377fs)

Gene: NEB (nebulin; minus strand). Cytogenetic location: 2q23.3.
Variant type: Deletion.
Coding change: c.13131del on transcript NM_001164508.2 (MANE Select); coding-DNA position 13131, one base deleted (G; older notation c.13131delG).
Protein change: p.Met4377fs; shifts the reading frame from methionine 4377.
Molecular consequence: frameshift variant. On other transcripts: intron variant (1).
Genome position (GRCh38, 1-based): chr2:151,603,701, C deleted on the plus strand (G on the coding strand, the reverse complement: NEB is on the minus strand). VCF-style (leftmost placement, unchanged base first): chr2-151603700-TC-T. GRCh37 (hg19) VCF-style: chr2-152460214-TC-T.
Other names: c.13131del, p.Met4377fs (NM_001164507.2, NM_001271208.2); c.11601+6108del (NM_004543.5); short protein forms M4377fs.
Identifiers: ClinVar variation 2708782 (VCV002708782.3), dbSNP rs2552222811, ClinGen allele CA2697551178.